The following is an entry in ClinVar:

ClinVar aggregate classification (germline): Uncertain significance (1 of 4 stars; one submission).

Submission:

GeneDx
Classification: Uncertain significance. Last evaluated: 2024-12-19. Review status: criteria provided, single submitter. Criteria: GeneDx Variant Classification Process June 2021. Collection method: clinical testing. Allele origin: germline. Affected: yes.
Comment: Not observed at significant frequency in large population cohorts (gnomAD); In silico analysis supports that this missense variant has a deleterious effect on protein structure/function; Has not been previously published as pathogenic or benign to our knowledge; This variant is associated with the following publications: (PMID: 25512093, 25609763, 26100331)

NM_001376.5(DYNC1H1):c.5930G>A (p.Cys1977Tyr)

Gene: DYNC1H1 (dynein cytoplasmic 1 heavy chain 1; plus strand). Cytogenetic location: 14q32.31.
Variant type: single nucleotide variant.
Coding change: c.5930G>A on transcript NM_001376.5 (MANE Select); coding-DNA position 5930, G replaced by A.
Protein change: p.Cys1977Tyr; replaces cysteine 1977 with tyrosine.
Molecular consequence: missense variant.
Genome position (GRCh38, 1-based): chr14:102,008,290, G>A. VCF-style: chr14-102008290-G-A. GRCh37 (hg19) VCF-style: chr14-102474627-G-A.
Other names: short protein forms C1977Y.
Identifiers: ClinVar variation 3906742 (VCV003906742.1).